The following is an entry in ClinVar:

NM_016277.5(RAB23):c.24C>T (p.Val8=)

Gene: RAB23 (RAB23, member RAS oncogene family; minus strand). Cytogenetic location: 6p11.2.
Variant type: single nucleotide variant.
Coding change: c.24C>T on transcript NM_016277.5 (MANE Select); coding-DNA position 24, C replaced by T.
Protein change: p.Val8=; no amino-acid change (valine 8 retained).
Molecular consequence: synonymous variant. On other transcripts: non-coding transcript variant (1).
Genome position (GRCh38, 1-based): chr6:57,210,357, G>A on the plus strand (C>T on the coding strand, the complement: RAB23 is on the minus strand). VCF-style: chr6-57210357-G-A. GRCh37 (hg19) VCF-style: chr6-57075155-G-A.
Other names: c.24C>T, p.Val8= (NM_001278666.2, NM_001278667.2, NM_001278668.2 and 1 more transcripts); c.24C>T (NM_183227.2).
Identifiers: ClinVar variation 1109233 (VCV001109233.40), dbSNP rs752991124, ClinGen allele CA3873934.

ClinVar aggregate classification (germline): Likely benign. Review status: criteria provided, multiple submitters, no conflicts (2 of 4 stars). 3 submissions from 3 submitters: Likely benign (3). Last evaluated 2026-01-26.

Conditions:
RAB23-related disorder. Also called: RAB23-related condition.
Carpenter syndrome. Identifiers: Orphanet 65759, MedGen C1275078, MONDO:0019012.

Allele frequency attached by ClinVar (database versions not stated): gnomAD exomes 0.00002 and 0.00001; gnomAD 0.00001; ExAC 0.00002.
gnomAD v4.1: 29 of 1,613,902 alleles (0.0018%); highest among the groups gnomAD compares: East Asian, 0.0022%; no homozygotes.

Submissions (3):

Labcorp Genetics (formerly Invitae), Labcorp
Classification: Likely benign for Carpenter syndrome. Last evaluated: 2026-01-26. Review status: criteria provided, single submitter. Criteria: Invitae Variant Classification Sherloc (09022015). Collection method: clinical testing. Allele origin: germline.

PreventionGenetics, part of Exact Sciences
Classification: Likely benign for RAB23-related condition. Last evaluated: 2025-07-15. Review status: criteria provided, single submitter. Criteria: ACMG Guidelines, 2015. Collection method: clinical testing. Allele origin: germline.
Comment: This variant is classified as likely benign based on ACMG/AMP sequence variant interpretation guidelines (Richards et al. 2015 PMID: 25741868, with internal and published modifications).

CeGaT Center for Human Genetics Tuebingen
Classification: Likely benign. Last evaluated: 2022-05-01. Review status: criteria provided, single submitter. Criteria: CeGaT Center For Human Genetics Tuebingen Variant Classification Criteria Version 2. Collection method: clinical testing. Allele origin: germline. Affected: yes. Observed: 1 variant allele.
Comment: RAB23: BP4, BP7